The following is an entry in ClinVar:

ClinVar aggregate classification (germline): Uncertain significance. Review status: criteria provided, multiple submitters, no conflicts (2 of 4 stars). 2 submissions from 2 submitters: Uncertain significance (2). Last evaluated 2023-12-12.

Conditions:
Hyperkalemic periodic paralysis. Also called: Familial hyperkalemic periodic paralysis; Gamstorp disease. Identifiers: Orphanet 682, MedGen C0238357, MONDO:0008224, OMIM 170500, HP:0007215.

Allele frequency attached by ClinVar (database versions not stated): gnomAD exomes below 0.00001.

Submissions (2):

Revvity Omics, Revvity
Classification: Uncertain significance. Last evaluated: 2023-12-12. Review status: criteria provided, single submitter. Criteria: ACMG Guidelines, 2015. Collection method: clinical testing. Allele origin: germline.

Labcorp Genetics (formerly Invitae), Labcorp
Classification: Uncertain significance for Hyperkalemic periodic paralysis. Last evaluated: 2023-09-10. Review status: criteria provided, single submitter. Criteria: Invitae Variant Classification Sherloc (09022015). Collection method: clinical testing. Allele origin: germline.
Comment: In summary, the available evidence is currently insufficient to determine the role of this variant in disease. Therefore, it has been classified as a Variant of Uncertain Significance. Advanced modeling of protein sequence and biophysical properties (such as structural, functional, and spatial information, amino acid conservation, physicochemical variation, residue mobility, and thermodynamic stability) has been performed at Invitae for this missense variant, however the output from this modeling did not meet the statistical confidence thresholds required to predict the impact of this variant on SCN4A protein function. This variant has not been reported in the literature in individuals affected with SCN4A-related conditions. This variant is not present in population databases (gnomAD no frequency). This sequence change replaces phenylalanine, which is neutral and non-polar, with tyrosine, which is neutral and polar, at codon 712 of the SCN4A protein (p.Phe712Tyr).

NM_000334.4(SCN4A):c.2135T>A (p.Phe712Tyr)

Genes: SCN4A (sodium voltage-gated channel alpha subunit 4; minus strand), GH-LCR (growth hormone locus control region; plus strand). Cytogenetic location: 17q23.3.
Variant type: single nucleotide variant.
Coding change: c.2135T>A on transcript NM_000334.4 (MANE Select); coding-DNA position 2135, T replaced by A.
Protein change: p.Phe712Tyr; replaces phenylalanine 712 with tyrosine.
Molecular consequence: missense variant.
Genome position (GRCh38, 1-based): chr17:63,957,403, A>T on the plus strand (T>A on the coding strand, the complement: SCN4A is on the minus strand). VCF-style: chr17-63957403-A-T. GRCh37 (hg19) VCF-style: chr17-62034763-A-T.
Other names: short protein forms F712Y.
Identifiers: ClinVar variation 2759774 (VCV002759774.4), dbSNP rs2509305404, ClinGen allele CA400631020.